The following is an entry in ClinVar:

ClinVar aggregate classification (germline): Uncertain significance. Review status: criteria provided, multiple submitters, no conflicts (2 of 4 stars). 2 submissions from 2 submitters: Uncertain significance (2). Last evaluated 2026-07-22.

Conditions:
OPTN-related disorder. Also called: OPTN-related condition; OPTN-related disorders.
Primary open angle glaucoma (POAG). Also called: OPTN-related open angle glaucoma. Identifiers: MedGen C0339573, MONDO:0100553, OMIM 137760.
Amyotrophic lateral sclerosis type 12 (ALS12). Also called: AMYOTROPHIC LATERAL SCLEROSIS 12 WITH OR WITHOUT FRONTOTEMPORAL DEMENTIA. Identifiers: Orphanet 803, MedGen C3150692, MONDO:0013264, OMIM 613435.
Glaucoma 1, open angle, E. Identifiers: MedGen C1842026, MONDO:0007665.

gnomAD v4.1: 17 of 1,613,912 alleles (0.0011%); highest among the groups gnomAD compares: Non-Finnish European, 0.0014%; no homozygotes.

Submissions (2):

PreventionGenetics, part of Exact Sciences
Classification: Uncertain significance for OPTN-related condition. Last evaluated: 2026-07-22. Review status: criteria provided, single submitter. Criteria: ACMG Guidelines, 2015. Collection method: clinical testing. Allele origin: germline.
Comment: The OPTN c.377C>T variant is predicted to result in the amino acid substitution p.Thr126Ile. To our knowledge, this variant has not been reported in the literature. This variant is reported in 0.0026% of alleles in individuals of European (non-Finnish) descent in gnomAD. At this time, the clinical significance of this variant is uncertain due to the absence of conclusive functional and genetic evidence.

Labcorp Genetics (formerly Invitae), Labcorp
Classification: Uncertain significance for Primary open angle glaucoma; Glaucoma 1, open angle, E; Amyotrophic lateral sclerosis type 12. Last evaluated: 2025-07-23. Review status: criteria provided, single submitter. Criteria: Invitae Variant Classification Sherloc (09022015). Collection method: clinical testing. Allele origin: germline.
Comment: This sequence change replaces threonine, which is neutral and polar, with isoleucine, which is neutral and non-polar, at codon 126 of the OPTN protein (p.Thr126Ile). This variant is present in population databases (rs142282480, gnomAD 0.003%). This variant has not been reported in the literature in individuals affected with OPTN-related conditions. An algorithm developed to predict the effect of missense changes on protein structure and function outputs the following: PolyPhen-2: "Benign". The isoleucine amino acid residue is found in multiple mammalian species, which suggests that this missense change does not adversely affect protein function. In summary, the available evidence is currently insufficient to determine the role of this variant in disease. Therefore, it has been classified as a Variant of Uncertain Significance.

NM_001008212.2(OPTN):c.377C>T (p.Thr126Ile)

Gene: OPTN (optineurin; plus strand). Cytogenetic location: 10p13.
Variant type: single nucleotide variant.
Coding change: c.377C>T on transcript NM_001008212.2 (MANE Select); coding-DNA position 377, C replaced by T.
Protein change: p.Thr126Ile; replaces threonine 126 with isoleucine.
Molecular consequence: missense variant.
Genome position (GRCh38, 1-based): chr10:13,112,460, C>T. VCF-style: chr10-13112460-C-T. GRCh37 (hg19) VCF-style: chr10-13154460-C-T.
Other names: c.377C>T, p.Thr126Ile (NM_001008211.1, NM_001008213.1, NM_021980.4); short protein forms T126I.
Identifiers: ClinVar variation 4788843 (VCV004788843.2).